The following is an entry in ClinVar:

ClinVar aggregate classification (germline): Uncertain significance. Review status: criteria provided, multiple submitters, no conflicts (2 of 4 stars). 2 submissions from 2 submitters: Uncertain significance (2). Last evaluated 2024-10-21.

Conditions:
Hereditary cancer-predisposing syndrome. Also called: Tumor predisposition; Hereditary Cancer Syndrome; Hereditary neoplastic syndrome; Neoplastic Syndromes, Hereditary. Identifiers: Orphanet 140162, MedGen C0027672, MeSH D009386, MONDO:0015356.
Gastrointestinal stromal tumor. Also called: Gastrointestinal stroma tumor; Gastrointestinal stromal tumor, somatic. Identifiers: Orphanet 44890, MedGen C0238198, MeSH D046152, MONDO:0011719, OMIM 606764, HP:0100723.

Submissions (2):

Ambry Genetics
Classification: Uncertain significance for Hereditary cancer-predisposing syndrome. Last evaluated: 2024-10-21. Review status: criteria provided, single submitter. Criteria: Ambry Variant Classification Scheme 2023. Collection method: clinical testing. Allele origin: germline.
Comment: The p.A529T variant (also known as c.1585G>A), located in coding exon 10 of the PDGFRA gene, results from a G to A substitution at nucleotide position 1585. The alanine at codon 529 is replaced by threonine, an amino acid with similar properties. This amino acid position is conserved. In addition, the in silico prediction for this alteration is inconclusive. Based on the available evidence, the clinical significance of this variant remains unclear.

Labcorp Genetics (formerly Invitae), Labcorp
Classification: Uncertain significance for Gastrointestinal stromal tumor. Last evaluated: 2022-06-30. Review status: criteria provided, single submitter. Criteria: Invitae Variant Classification Sherloc (09022015). Collection method: clinical testing. Allele origin: germline.
Comment: In summary, the available evidence is currently insufficient to determine the role of this variant in disease. Therefore, it has been classified as a Variant of Uncertain Significance. Algorithms developed to predict the effect of missense changes on protein structure and function are either unavailable or do not agree on the potential impact of this missense change (SIFT: "Tolerated"; PolyPhen-2: "Probably Damaging"; Align-GVGD: "Class C0"). This sequence change replaces alanine, which is neutral and non-polar, with threonine, which is neutral and polar, at codon 529 of the PDGFRA protein (p.Ala529Thr). This variant is not present in population databases (gnomAD no frequency). This variant has not been reported in the literature in individuals affected with PDGFRA-related conditions.

NM_006206.6(PDGFRA):c.1585G>A (p.Ala529Thr)

Gene: PDGFRA (platelet derived growth factor receptor alpha; plus strand). Cytogenetic location: 4q12.
Variant type: single nucleotide variant.
Coding change: c.1585G>A on transcript NM_006206.6 (MANE Select); coding-DNA position 1585, G replaced by A.
Protein change: p.Ala529Thr; replaces alanine 529 with threonine.
Molecular consequence: missense variant.
Genome position (GRCh38, 1-based): chr4:54,274,557, G>A. VCF-style: chr4-54274557-G-A. GRCh37 (hg19) VCF-style: chr4-55140724-G-A.
Other names: c.1585G>A, p.Ala529Thr (NM_001347827.2, NM_001347829.2); c.1660G>A, p.Ala554Thr (NM_001347828.2); c.1624G>A, p.Ala542Thr (NM_001347830.2); short protein forms A529T, A554T, A542T.
Identifiers: ClinVar variation 2012383 (VCV002012383.5), dbSNP rs1723601719, ClinGen allele CA356892870.